The following is an entry in ClinVar:

NM_001385641.1(SAMD11):c.1694_1698dup (p.Ala567fs)

Gene: SAMD11 (sterile alpha motif domain containing 11; plus strand). Cytogenetic location: 1p36.33.
Variant type: Duplication.
Coding change: c.1694_1698dup on transcript NM_001385641.1 (MANE Select); coding-DNA positions 1694 to 1698, 5 bases duplicated (ACGGC; older notation c.1694_1698dupACGGC).
Protein change: p.Ala567fs; shifts the reading frame from alanine 567.
Molecular consequence: frameshift variant.
Genome position (GRCh38, 1-based): chr1:942,699-942,703, ACGGC duplicated; duplicating any 5 consecutive bases within chr1:942,698-942,703 gives the same sequence; the c. name uses the placement nearest the transcript's 3' end. VCF-style (leftmost placement, unchanged base first): chr1-942697-C-CCACGG. GRCh37 (hg19) VCF-style: chr1-878077-C-CCACGG.
Other names: c.1697_1701dup, p.Ala568fs (NM_001385640.1); c.1205_1209dup, p.Ala404fs (NM_152486.4); short protein forms A404fs, A567fs, A568fs.
Identifiers: ClinVar variation 966631 (VCV000966631.5), dbSNP rs1641861500, ClinGen allele CA1139655461.

ClinVar aggregate classification (germline): Uncertain significance (1 of 4 stars; one submission).

Submission:

Labcorp Genetics (formerly Invitae), Labcorp
Classification: Uncertain significance. Last evaluated: 2019-10-26. Review status: criteria provided, single submitter. Criteria: Invitae Variant Classification Sherloc (09022015). Collection method: clinical testing. Allele origin: germline.
Comment: This sequence change creates a premature translational stop signal (p.Ala404Thrfs*49) in the SAMD11 gene. It is expected to result in an absent or disrupted protein product. The frequency data for this variant in the population databases is considered unreliable, as metrics indicate insufficient coverage at this position in the ExAC database. This variant has not been reported in the literature in individuals with SAMD11-related conditions. The current clinical and genetic evidence is not sufficient to establish whether loss-of-function variants in SAMD11 cause disease. In summary, the available evidence is currently insufficient to determine the role of this variant in disease. Therefore, it has been classified as a Variant of Uncertain Significance.